The following is an entry in ClinVar:

ClinVar aggregate classification (germline): Uncertain significance (1 of 4 stars; one submission).

gnomAD v4.1: 4 of 1,614,110 alleles (0.00025%); highest among the groups gnomAD compares: East Asian, 0.0022%; no homozygotes.

Submission:

Athena Diagnostics
Classification: Uncertain significance. Last evaluated: 2024-03-28. Review status: criteria provided, single submitter. Criteria: Athena Diagnostics Criteria. Collection method: clinical testing. Allele origin: unknown.
Comment: Available data are insufficient to determine the clinical significance of the variant at this time. The frequency of this variant in the general population is uninformative in assessment of its pathogenicity. Computational tools yielded predictions that this variant is unlikely to have an effect on normal RNA splicing.

NM_001961.4(EEF2):c.1287C>T (p.Ile429=)

Gene: EEF2 (eukaryotic translation elongation factor 2; minus strand). Cytogenetic location: 19p13.3.
Variant type: single nucleotide variant.
Coding change: c.1287C>T on transcript NM_001961.4 (MANE Select); coding-DNA position 1287, C replaced by T.
Protein change: p.Ile429=; no amino-acid change (isoleucine 429 retained).
Molecular consequence: synonymous variant.
Genome position (GRCh38, 1-based): chr19:3,980,573, G>A on the plus strand (C>T on the coding strand, the complement: EEF2 is on the minus strand). VCF-style: chr19-3980573-G-A. GRCh37 (hg19) VCF-style: chr19-3980571-G-A.
Identifiers: ClinVar variation 3571944 (VCV003571944.1).